The following is an entry in ClinVar:

NM_030665.4(RAI1):c.3462G>C (p.Glu1154Asp)

Gene: RAI1 (retinoic acid induced 1; plus strand). Cytogenetic location: 17p11.2.
Variant type: single nucleotide variant.
Coding change: c.3462G>C on transcript NM_030665.4 (MANE Select); coding-DNA position 3462, G replaced by C.
Protein change: p.Glu1154Asp; replaces glutamic acid 1154 with aspartic acid.
Molecular consequence: missense variant.
Genome position (GRCh38, 1-based): chr17:17,796,410, G>C. VCF-style: chr17-17796410-G-C. GRCh37 (hg19) VCF-style: chr17-17699724-G-C.
Other names: short protein forms E1154D.
Identifiers: ClinVar variation 4993202 (VCV004993202.1).

ClinVar aggregate classification (germline): Uncertain significance (1 of 4 stars; one submission).

Conditions:
RAI1-related disorder. Also called: RAI1-related condition.

Submission:

PreventionGenetics, part of Exact Sciences
Classification: Uncertain significance for RAI1-related condition. Last evaluated: 2025-12-22. Review status: criteria provided, single submitter. Criteria: ACMG Guidelines, 2015. Collection method: clinical testing. Allele origin: germline.
Comment: The RAI1 c.3462G>C variant is predicted to result in the amino acid substitution p.Glu1154Asp. To our knowledge, this variant has not been reported in the literature or in a large population database (gnomAD), indicating this variant is rare. At this time, the clinical significance of this variant is uncertain due to the absence of conclusive functional and genetic evidence.